The following is an entry in ClinVar:

NM_007294.4(BRCA1):c.1758_1759insTT (p.Ile587fs)

Gene: BRCA1 (BRCA1 DNA repair associated; minus strand). Cytogenetic location: 17q21.31.
Variant type: Insertion.
Coding change: c.1758_1759insTT on transcript NM_007294.4 (MANE Select); coding-DNA positions 1758 to 1759, TT inserted.
Protein change: p.Ile587fs; shifts the reading frame from isoleucine 587.
Molecular consequence: frameshift variant. On other transcripts: intron variant (137).
Genome position: GRCh38 VCF-style: chr17-43093772-T-TAA. GRCh37 (hg19) VCF-style: chr17-41245789-T-TAA.
Other names: c.1545_1546insTT, p.Ile516fs (NM_001407571.1, NM_001407853.1, NM_001407894.1 and 9 more transcripts); c.1758_1759insTT, p.Ile587fs (NM_001407581.1, NM_001407582.1, NM_001407583.1 and 30 more transcripts); c.1755_1756insTT, p.Ile586fs (NM_001407587.1, NM_001407590.1, NM_001407591.1 and 22 more transcripts); c.1749_1750insTT, p.Ile584fs (NM_001407646.1, NM_001407647.1); c.1635_1636insTT, p.Ile546fs (NM_001407648.1, NM_001407664.1, NM_001407665.1 and 19 more transcripts); c.1632_1633insTT, p.Ile545fs (NM_001407649.1, NM_001407670.1, NM_001407671.1 and 11 more transcripts); c.1680_1681insTT, p.Ile561fs (NM_001407653.1, NM_001407654.1, NM_001407655.1 and 4 more transcripts); c.1677_1678insTT, p.Ile560fs (NM_001407659.1, NM_001407660.1, NM_001407661.1 and 1 more transcripts); and 40 more; short protein forms I587fs, I540fs, I498fs, I560fs, I584fs, I499fs, I546fs, I586fs.
Identifiers: ClinVar variation 2027308 (VCV002027308.4), dbSNP rs2552198952, ClinGen allele CA2580094122.

ClinVar aggregate classification (germline): Pathogenic (1 of 4 stars; one submission).

Conditions:
Hereditary breast ovarian cancer syndrome. Also called: BRCA1- and BRCA2-Associated Hereditary Breast and Ovarian Cancer; Hereditary breast and ovarian cancer; Hereditary breast and ovarian cancer syndrome (HBOC); Breast and ovarian cancer; Hereditary breast and ovarian cancer syndrome; Hereditary breast and/or ovarian cancer syndrome. Identifiers: Orphanet 145, MedGen C0677776, MeSH D061325, MONDO:0003582. Disease mechanism: loss of function.

Submission:

Labcorp Genetics (formerly Invitae), Labcorp
Classification: Pathogenic for Hereditary breast ovarian cancer syndrome. Last evaluated: 2022-08-27. Review status: criteria provided, single submitter. Criteria: Invitae Variant Classification Sherloc (09022015). Collection method: clinical testing. Allele origin: germline.
Comment: This sequence change creates a premature translational stop signal (p.Ile587Leufs*2) in the BRCA1 gene. It is expected to result in an absent or disrupted protein product. Loss-of-function variants in BRCA1 are known to be pathogenic (PMID: 20104584). For these reasons, this variant has been classified as Pathogenic. This variant has not been reported in the literature in individuals affected with BRCA1-related conditions. This variant is not present in population databases (gnomAD no frequency).

Literature cited by the submitters: PubMed 20104584.